The following is an entry in ClinVar:

ClinVar aggregate classification (germline): Uncertain significance (1 of 4 stars; one submission).

Submission:

Labcorp Genetics (formerly Invitae), Labcorp
Classification: Uncertain significance. Last evaluated: 2022-09-13. Review status: criteria provided, single submitter. Criteria: Invitae Variant Classification Sherloc (09022015). Collection method: clinical testing. Allele origin: germline.
Comment: In summary, the available evidence is currently insufficient to determine the role of this variant in disease. Therefore, it has been classified as a Variant of Uncertain Significance. Algorithms developed to predict the effect of missense changes on protein structure and function are either unavailable or do not agree on the potential impact of this missense change (SIFT: "Not Available"; PolyPhen-2: "Possibly Damaging"; Align-GVGD: "Not Available"). ClinVar contains an entry for this variant (Variation ID: 1497030). This variant has not been reported in the literature in individuals affected with TYROBP-related conditions. The frequency data for this variant in the population databases is considered unreliable, as metrics indicate poor data quality at this position in the gnomAD database. This sequence change replaces arginine with cysteine at codon 83 of the TYROBP protein (p.Arg83Cys). The arginine residue is highly conserved and there is a large physicochemical difference between arginine and cysteine.

NM_003332.4(TYROBP):c.247C>T (p.Arg83Cys)

Gene: TYROBP (transmembrane immune signaling adaptor TYROBP; minus strand). Cytogenetic location: 19q13.12.
Variant type: single nucleotide variant.
Coding change: c.247C>T on transcript NM_003332.4 (MANE Select); coding-DNA position 247, C replaced by T.
Protein change: p.Arg83Cys; replaces arginine 83 with cysteine.
Molecular consequence: missense variant. On other transcripts: non-coding transcript variant (1).
Genome position (GRCh38, 1-based): chr19:35,907,247, G>A on the plus strand (C>T on the coding strand, the complement: TYROBP is on the minus strand). VCF-style: chr19-35907247-G-A. GRCh37 (hg19) VCF-style: chr19-36398149-G-A.
Other names: c.214C>T, p.Arg72Cys (NM_001173514.2); c.211C>T, p.Arg71Cys (NM_001173515.2); c.244C>T, p.Arg82Cys (NM_198125.3); short protein forms R72C, R82C, R71C, R83C.
Identifiers: ClinVar variation 1497030 (VCV001497030.8), dbSNP rs763695211, ClinGen allele CA9393033.